The following is an entry in ClinVar:

NM_000321.3(RB1):c.-148G>A

Gene: RB1 (RB transcriptional corepressor 1; plus strand). Cytogenetic location: 13q14.2.
Variant type: single nucleotide variant.
Coding change: c.-148G>A on transcript NM_000321.3 (MANE Select); 148 bases upstream of the start codon, G replaced by A.
Molecular consequence: 5 prime UTR variant.
Genome position (GRCh38, 1-based): chr13:48,303,765, G>A. VCF-style: chr13-48303765-G-A. GRCh37 (hg19) VCF-style: chr13-48877901-G-A.
Other names: c.-148G>A (NM_001407165.1, NM_001407166.1, NM_001407167.1).
Identifiers: ClinVar variation 3677747 (VCV003677747.2).
Genomic context (GRCh38, chr13:48,303,765, plus strand): 5'-CGCCGCGGGCGGAAGTGACGTTTTCCCGCGGTTGGACGCGGCGCTCAGTTGCCGGGCGGG[G>A]GAGGGCGCGTCCGGTTTTTCTCAGGGGACGTTGAAATTATTTTTGTAACGGGAGTCGGGA-3'

ClinVar aggregate classification (germline): Uncertain significance (1 of 4 stars; one submission).

Conditions:
Retinoblastoma (RB1). Also called: RETINOBLASTOMA, SOMATIC. Identifiers: Orphanet 790, MedGen C0035335, MeSH D012175, MONDO:0008380, OMIM 180200, HP:0009919. Disease mechanism: loss of function. Inheritance: Both sporadic and heritable forms are tested..

gnomAD v4.1: 1 of 1,249,464 alleles (0.00008%); highest among the groups gnomAD compares: Non-Finnish European, 0.00011%; no homozygotes.

Submission:

Labcorp Genetics (formerly Invitae), Labcorp
Classification: Uncertain significance for Retinoblastoma. Last evaluated: 2025-05-13. Review status: criteria provided, single submitter. Criteria: Invitae Variant Classification Sherloc (09022015). Collection method: clinical testing. Allele origin: germline.
Comment: This variant occurs in a non-coding region of the RB1 gene. It does not change the encoded amino acid sequence of the RB1 protein. This variant is not present in population databases (gnomAD no frequency). This variant has not been reported in the literature in individuals affected with RB1-related conditions. ClinVar contains an entry for this variant (Variation ID: 3677747). In summary, the available evidence is currently insufficient to determine the role of this variant in disease. Therefore, it has been classified as a Variant of Uncertain Significance.